The following is an entry in ClinVar:

NM_006715.4(MAN2C1):c.2047-28C>G

Gene: MAN2C1 (mannosidase alpha class 2C member 1; minus strand). Cytogenetic location: 15q24.2.
Variant type: single nucleotide variant.
Coding change: c.2047-28C>G on transcript NM_006715.4 (MANE Select); 28 bases into the intron before coding-DNA position 2047, C replaced by G.
Molecular consequence: intron variant. On other transcripts: missense variant (1).
Genome position (GRCh38, 1-based): chr15:75,359,181, G>C on the plus strand (C>G on the coding strand, the complement: MAN2C1 is on the minus strand). VCF-style: chr15-75359181-G-C. GRCh37 (hg19) VCF-style: chr15-75651522-G-C.
Other names: c.2070C>G, p.Asp690Glu (NM_001256494.2); c.1750-28C>G (NM_001256496.2); c.2047-28C>G (NM_001256495.2); short protein forms D690E.
Identifiers: ClinVar variation 4885880 (VCV004885880.2).

ClinVar aggregate classification (germline): Uncertain significance (1 of 4 stars; one submission).

gnomAD v4.1: 6 of 1,613,064 alleles (0.00037%); highest among the groups gnomAD compares: African/African-American, 0.0067%; no homozygotes.

Submission:

Dasa
Classification: Uncertain significance. Last evaluated: 2025-01-31. Review status: criteria provided, single submitter. Criteria: DASA Assertion Criteria. Collection method: clinical testing. Allele origin: germline.
Comment: NM_001256494.2(MAN2C1):c.2070C>G (p.Asp690Glu) is a missense variant that results in the substitution of aspartic acid with glutamic acid. This variant is rare in population databases. The currently available literature and clinical evidence are not sufficient to establish a definitive association between this variant and the reported condition. Therefore, this variant is classified as a variant of uncertain significance.